The following is an entry in ClinVar:

NM_001165963.4(SCN1A):c.5238T>C (p.Val1746=)

Genes: SCN1A (sodium voltage-gated channel alpha subunit 1; minus strand), LOC102724058 (uncharacterized LOC102724058; plus strand). Cytogenetic location: 2q24.3.
Variant type: single nucleotide variant.
Coding change: c.5238T>C on transcript NM_001165963.4 (MANE Select); coding-DNA position 5238, T replaced by C.
Protein change: p.Val1746=; no amino-acid change (valine 1746 retained).
Molecular consequence: synonymous variant. On other transcripts: non-coding transcript variant (1).
Genome position (GRCh38, 1-based): chr2:165,992,037, A>G on the plus strand (T>C on the coding strand, the complement: SCN1A is on the minus strand). VCF-style: chr2-165992037-A-G. GRCh37 (hg19) VCF-style: chr2-166848547-A-G.
Other names: c.5154T>C, p.Val1718= (NM_001165964.3, NM_001353957.2, NM_001353958.2); c.5238T>C, p.Val1746= (NM_001202435.3, NM_001353948.2); c.5205T>C, p.Val1735= (NM_001353949.2, NM_001353950.2, NM_001353951.2 and 2 more transcripts); c.5202T>C, p.Val1734= (NM_001353954.2, NM_001353955.2); c.5151T>C, p.Val1717= (NM_001353960.2); c.2796T>C, p.Val932= (NM_001353961.2); c.5238T>C (NM_001202435.1).
Identifiers: ClinVar variation 1581143 (VCV001581143.11), dbSNP rs2105430607, ClinGen allele CA429976767.

ClinVar aggregate classification (germline): Likely benign. Review status: criteria provided, single submitter (1 of 4 stars). 2 submissions from 2 submitters: Likely benign (1). 1 of the submissions does not count toward it. Last evaluated 2022-09-01.

Conditions:
Early-infantile DEE. Also called: Early infantile epileptic encephalopathy; Ohtahara syndrome; Early infantile epileptic encephalopathy with suppression bursts. Identifiers: Orphanet 1934, MedGen C0393706, MONDO:0800491.
SCN1A-related disorder. Also called: SCN1A-related conditions; SCN1A-related condition; SCN1A-related disorders.

Submissions (2):

Labcorp Genetics (formerly Invitae), Labcorp
Classification: Likely benign for Early-infantile DEE. Last evaluated: 2022-09-01. Review status: criteria provided, single submitter. Criteria: Invitae Variant Classification Sherloc (09022015). Collection method: clinical testing. Allele origin: germline.

PreventionGenetics, part of Exact Sciences
Classification: Likely benign for SCN1A-related condition. Last evaluated: 2022-05-01. Review status: no assertion criteria provided. Collection method: clinical testing. Allele origin: germline. Not counted in ClinVar's aggregate classification.
Comment: This variant is classified as likely benign based on ACMG/AMP sequence variant interpretation guidelines (Richards et al. 2015 PMID: 25741868, with internal and published modifications).